The following is an entry in ClinVar:

ClinVar aggregate classification (germline): Uncertain significance. Review status: criteria provided, multiple submitters, no conflicts (2 of 4 stars). 2 submissions from 2 submitters: Uncertain significance (2). Last evaluated 2025-02-22.

Conditions:
Inborn genetic diseases. Identifiers: MedGen C0950123, MeSH D030342.

Allele frequency attached by ClinVar (database versions not stated): gnomAD exomes below 0.00001 and 0.00001; TOPMed below 0.00001; ExAC 0.00001.
gnomAD v4.1: 2 of 1,614,152 alleles (0.00012%); highest among the groups gnomAD compares: Non-Finnish European, 0.00017%; no homozygotes.

Submissions (2):

Ambry Genetics
Classification: Uncertain significance for Inborn genetic diseases. Last evaluated: 2025-02-22. Review status: criteria provided, single submitter. Criteria: Ambry Variant Classification Scheme 2023. Collection method: clinical testing. Allele origin: germline.

Labcorp Genetics (formerly Invitae), Labcorp
Classification: Uncertain significance. Last evaluated: 2021-10-20. Review status: criteria provided, single submitter. Criteria: Invitae Variant Classification Sherloc (09022015). Collection method: clinical testing. Allele origin: germline.
Comment: This sequence change replaces aspartic acid with glycine at codon 556 of the MTTP protein (p.Asp556Gly). The aspartic acid residue is weakly conserved and there is a moderate physicochemical difference between aspartic acid and glycine. This variant is present in population databases (rs777823113, ExAC 0.001%). This variant has not been reported in the literature in individuals affected with MTTP-related conditions. Algorithms developed to predict the effect of missense changes on protein structure and function (SIFT, PolyPhen-2, Align-GVGD) all suggest that this variant is likely to be tolerated. In summary, the available evidence is currently insufficient to determine the role of this variant in disease. Therefore, it has been classified as a Variant of Uncertain Significance.

NM_001386140.1(MTTP):c.1667A>G (p.Asp556Gly)

Gene: MTTP (microsomal triglyceride transfer protein; plus strand). Cytogenetic location: 4q23.
Variant type: single nucleotide variant.
Coding change: c.1667A>G on transcript NM_001386140.1 (MANE Select); coding-DNA position 1667, A replaced by G.
Protein change: p.Asp556Gly; replaces aspartic acid 556 with glycine.
Molecular consequence: missense variant.
Genome position (GRCh38, 1-based): chr4:99,608,875, A>G. VCF-style: chr4-99608875-A-G. GRCh37 (hg19) VCF-style: chr4-100530032-A-G.
Other names: c.1667A>G, p.Asp556Gly (NM_000253.4); c.1418A>G, p.Asp473Gly (NM_001300785.2); c.1667A>G (NM_000253.2); short protein forms D556G, D473G.
Identifiers: ClinVar variation 1521357 (VCV001521357.4), dbSNP rs777823113, ClinGen allele CA3022151.